The following is an entry in ClinVar:

NM_001267550.2(TTN):c.86982G>A (p.Val28994=)

Genes: TTN (titin; minus strand), TTN-AS1 (TTN antisense RNA 1; plus strand). Cytogenetic location: 2q31.2.
Variant type: single nucleotide variant.
Coding change: c.86982G>A on transcript NM_001267550.2 (MANE Select); coding-DNA position 86982, G replaced by A.
Protein change: p.Val28994=; no amino-acid change (valine 28994 retained).
Molecular consequence: synonymous variant.
Genome position (GRCh38, 1-based): chr2:178,558,477, C>T on the plus strand (G>A on the coding strand, the complement: TTN is on the minus strand). VCF-style: chr2-178558477-C-T. GRCh37 (hg19) VCF-style: chr2-179423204-C-T.
Other names: c.82059G>A, p.Val27353= (NM_001256850.1); c.59787G>A, p.Val19929= (NM_003319.4); c.79278G>A, p.Val26426= (NM_133378.4); c.60162G>A, p.Val20054= (NM_133432.3); c.60363G>A, p.Val20121= (NM_133437.4).
Identifiers: ClinVar variation 467589 (VCV000467589.29), dbSNP rs748139282, ClinGen allele CA1988399.

ClinVar aggregate classification (germline): Likely benign. Review status: criteria provided, multiple submitters, no conflicts (2 of 4 stars). 4 submissions from 4 submitters: Likely benign (4). Last evaluated 2026-09-01.

Conditions:
Cardiovascular phenotype. Identifiers: MedGen CN230736.
Dilated cardiomyopathy 1G (CMD1G). Identifiers: Orphanet 154, MedGen C1858763, MONDO:0011400, OMIM 604145.
Autosomal recessive limb-girdle muscular dystrophy type 2J (LGMDR10). Also called: Limb-girdle muscular dystrophy, type 2J; MUSCULAR DYSTROPHY, LIMB-GIRDLE, AUTOSOMAL RECESSIVE 10. Identifiers: Orphanet 140922, MedGen C1837342, MONDO:0012127, OMIM 608807.

Allele frequency attached by ClinVar (database versions not stated): ExAC 0.00001; TOPMed 0.00001; gnomAD exomes 0.00002.
gnomAD v4.1: 10 of 1,613,802 alleles (0.00062%); highest among the groups gnomAD compares: Admixed American, 0.0017%; no homozygotes.

Submissions (4):

CeGaT Center for Human Genetics Tuebingen
Classification: Likely benign. Last evaluated: 2026-09-01. Review status: criteria provided, single submitter. Criteria: CeGaT Center For Human Genetics Tuebingen Variant Classification Criteria Version 2. Collection method: clinical testing. Allele origin: germline. Affected: yes. Observed: 2 variant alleles.
Comment: TTN: BP4, BP7

Labcorp Genetics (formerly Invitae), Labcorp
Classification: Likely benign for Dilated cardiomyopathy 1G; Autosomal recessive limb-girdle muscular dystrophy type 2J. Last evaluated: 2025-11-03. Review status: criteria provided, single submitter. Criteria: Invitae Variant Classification Sherloc (09022015). Collection method: clinical testing. Allele origin: germline.

Ambry Genetics
Classification: Likely benign for Cardiovascular phenotype. Last evaluated: 2021-01-01. Review status: criteria provided, single submitter. Criteria: Ambry Variant Classification Scheme 2023. Collection method: clinical testing. Allele origin: germline.

GeneDx
Classification: Likely benign. Last evaluated: 2020-10-08. Review status: criteria provided, single submitter. Criteria: GeneDx Variant Classification Process June 2021. Collection method: clinical testing. Allele origin: germline. Affected: yes.